The following is an entry in ClinVar:

ClinVar aggregate classification (germline): Conflicting classifications of pathogenicity. Review status: criteria provided, conflicting classifications (1 of 4 stars). 5 submissions from 5 submitters: Uncertain significance (2); Likely benign (3). Last evaluated 2026-09-01.

Conditions:
TOPORS-related disorder. Also called: TOPORS-related condition.
Inborn genetic diseases. Identifiers: MedGen C0950123, MeSH D030342.

Allele frequency attached by ClinVar (database versions not stated): TOPMed 0.00023; ESP Exome Variant Server 0.00038; 1000 Genomes Project 0.00080; 1000 Genomes Project 30x 0.00094.
gnomAD v4.1: 69 of 1,614,152 alleles (0.0043%); highest among the groups gnomAD compares: African/African-American, 0.087%; no homozygotes.

Submissions (5):

CeGaT Center for Human Genetics Tuebingen
Classification: Likely benign. Last evaluated: 2026-09-01. Review status: criteria provided, single submitter. Criteria: CeGaT Center For Human Genetics Tuebingen Variant Classification Criteria Version 2. Collection method: clinical testing. Allele origin: germline. Affected: yes. Observed: 1 variant allele.
Comment: TOPORS: BP4

Ambry Genetics
Classification: Uncertain significance for Inborn genetic diseases. Last evaluated: 2025-10-23. Review status: criteria provided, single submitter. Criteria: Ambry Variant Classification Scheme 2023. Collection method: clinical testing. Allele origin: germline.

Labcorp Genetics (formerly Invitae), Labcorp
Classification: Uncertain significance. Last evaluated: 2025-06-16. Review status: criteria provided, single submitter. Criteria: Invitae Variant Classification Sherloc (09022015). Collection method: clinical testing. Allele origin: germline.
Comment: This sequence change replaces aspartic acid, which is acidic and polar, with asparagine, which is neutral and polar, at codon 899 of the TOPORS protein (p.Asp899Asn). This variant is present in population databases (rs138266918, gnomAD 0.07%), and has an allele count higher than expected for a pathogenic variant. This variant has not been reported in the literature in individuals affected with TOPORS-related conditions. ClinVar contains an entry for this variant (Variation ID: 1053611). Experimental studies and prediction algorithms are not available or were not evaluated, and the functional significance of this variant is currently unknown. In summary, the available evidence is currently insufficient to determine the role of this variant in disease. Therefore, it has been classified as a Variant of Uncertain Significance.

PreventionGenetics, part of Exact Sciences
Classification: Likely benign for TOPORS-related condition. Last evaluated: 2025-02-12. Review status: criteria provided, single submitter. Criteria: ACMG Guidelines, 2015. Collection method: clinical testing. Allele origin: germline.
Comment: This variant is classified as likely benign based on ACMG/AMP sequence variant interpretation guidelines (Richards et al. 2015 PMID: 25741868, with internal and published modifications).

Blueprint Genetics
Classification: Likely benign. Last evaluated: 2024-05-31. Review status: criteria provided, single submitter. Criteria: ACMG Guidelines, 2015. Collection method: clinical testing. Allele origin: germline.

NM_005802.5(TOPORS):c.2695G>A (p.Asp899Asn)

Gene: TOPORS (TOP1 binding arginine/serine rich protein, E3 ubiquitin ligase; minus strand). Cytogenetic location: 9p21.1.
Variant type: single nucleotide variant.
Coding change: c.2695G>A on transcript NM_005802.5 (MANE Select); coding-DNA position 2695, G replaced by A.
Protein change: p.Asp899Asn; replaces aspartic acid 899 with asparagine.
Molecular consequence: missense variant.
Genome position (GRCh38, 1-based): chr9:32,541,830, C>T on the plus strand (G>A on the coding strand, the complement: TOPORS is on the minus strand). VCF-style: chr9-32541830-C-T. GRCh37 (hg19) VCF-style: chr9-32541828-C-T.
Other names: c.2500G>A, p.Asp834Asn (NM_001195622.2); c.2695G>A (NM_005802.4); short protein forms D834N, D899N.
Identifiers: ClinVar variation 1053611 (VCV001053611.13), dbSNP rs138266918, ClinGen allele CA5020321.